The following is an entry in ClinVar:

ClinVar aggregate classification (germline): Uncertain significance (1 of 4 stars; one submission).

gnomAD v4.1: 6 of 1,604,174 alleles (0.00037%); highest among the groups gnomAD compares: African/African-American, 0.0027%; no homozygotes.

Submission:

Mayo Clinic Laboratories, Mayo Clinic
Classification: Uncertain significance. Last evaluated: 2023-09-27. Review status: criteria provided, single submitter. Criteria: ACMG Guidelines, 2015. Collection method: clinical testing. Allele origin: germline. Observed: 1 variant allele.
Comment: PP3

NM_005070.4(SLC4A3):c.3620C>T (p.Ala1207Val)

Gene: SLC4A3 (solute carrier family 4 member 3; plus strand). Cytogenetic location: 2q35.
Variant type: single nucleotide variant.
Coding change: c.3620C>T on transcript NM_005070.4 (MANE Select); coding-DNA position 3620, C replaced by T.
Protein change: p.Ala1207Val; replaces alanine 1207 with valine.
Molecular consequence: missense variant. On other transcripts: non-coding transcript variant (1).
Genome position (GRCh38, 1-based): chr2:219,640,961, C>T. VCF-style: chr2-219640961-C-T. GRCh37 (hg19) VCF-style: chr2-220505683-C-T.
Other names: p.Ala1234Val; c.3701C>T, p.Ala1234Val (NM_001326559.2, NM_201574.3); short protein forms A1207V, A1234V.
Identifiers: ClinVar variation 3379435 (VCV003379435.1).